The following is an entry in ClinVar:

ClinVar aggregate classification (germline): Likely benign. Review status: criteria provided, single submitter (1 of 4 stars). 2 submissions from 2 submitters: Likely benign (1). 1 of the submissions does not count toward it. Last evaluated 2024-10-07.

Conditions:
ARID1B-Related Disorder. Identifiers: MedGen CN381337.

Submissions (2):

Labcorp Genetics (formerly Invitae), Labcorp
Classification: Likely benign. Last evaluated: 2024-10-07. Review status: criteria provided, single submitter. Criteria: Invitae Variant Classification Sherloc (09022015). Collection method: clinical testing. Allele origin: germline.

PreventionGenetics, part of Exact Sciences
Classification: Uncertain significance for ARID1B-related condition. Last evaluated: 2024-01-04. Review status: no assertion criteria provided. Collection method: clinical testing. Allele origin: germline. Not counted in ClinVar's aggregate classification.
Comment: The ARID1B c.1382_1387dup6 variant is predicted to result in an in-frame duplication (p.Gly461_Ala462dup). To our knowledge, this variant has not been reported in the literature or in a large population database, indicating this variant is rare. At this time, the clinical significance of this variant is uncertain due to the absence of conclusive functional and genetic evidence.

NM_001374828.1(ARID1B):c.1631_1636dup (p.Ala545_Ala546insGlyAla)

Gene: ARID1B (AT-rich interaction domain 1B; plus strand). Cytogenetic location: 6q25.3.
Variant type: Duplication.
Coding change: c.1631_1636dup on transcript NM_001374828.1 (MANE Select); coding-DNA positions 1631 to 1636, 6 bases duplicated (GGGCGG; older notation c.1631_1636dupGGGCGG).
Protein change: p.Ala545_Ala546insGlyAla.
Molecular consequence: inframe insertion.
Genome position (GRCh38, 1-based): chr6:156,779,311-156,779,316, GGGCGG duplicated; duplicating any 6 consecutive bases within chr6:156,779,306-156,779,316 gives the same sequence; the c. name uses the placement nearest the transcript's 3' end. VCF-style (leftmost placement, unchanged base first): chr6-156779305-C-CGGCGGG. GRCh37 (hg19) VCF-style: chr6-157100439-C-CGGCGGG.
Other names: c.1382_1387dup6 (NM_020732.3); c.1631_1636dup, p.Ala545_Ala546insGlyAla (NM_001371656.1, NM_001374820.1, NM_017519.3).
Identifiers: ClinVar variation 2891615 (VCV002891615.5), dbSNP rs887711941, ClinGen allele CA150802789.